The following is an entry in ClinVar:

ClinVar aggregate classification (germline): Uncertain significance (1 of 4 stars; one submission).

Conditions:
Intellectual developmental disorder, X-linked, syndromic, Hackmann-Di Donato type. Also called: MENTAL RETARDATION, X-LINKED, WITH MARFANOID HABITUS, 2. Identifiers: Orphanet 700325, MedGen C5393302, MONDO:0026733, OMIM 301039.

Submission:

Victorian Clinical Genetics Services, Murdoch Childrens Research Institute
Classification: Uncertain significance for Intellectual developmental disorder, X-linked, syndromic, Hackmann-Di Donato type. Last evaluated: 2024-12-23. Review status: criteria provided, single submitter. Criteria: ACMG Guidelines, 2015. Collection method: clinical testing. Allele origin: germline. Affected: yes.
Comment: This variant is classified as VUS-3A. Evidence in support of pathogenic classification: Variant is absent from gnomAD (v2, v3 and v4); Missense variant in a region that is highly intolerant to missense variation (high constraint region in DECIPHER). Additional information: Variant is predicted to result in a missense amino acid change from glutamic acid to aspartic acid; This variant is hemizygous; This gene is associated with X-linked recessive disease. However, heterozygous females have been reported both as unaffected or mildly affected (PMID: 31587868); This variant has no previous evidence of pathogenicity; No published segregation evidence has been identified for this variant; No published functional evidence has been identified for this variant; No comparable missense variants have previous evidence for pathogenicity; Missense variant with conflicting in silico predictions and uninformative conservation; The mechanism of disease for this gene is not clearly established. However, loss of function is a likely mechanism (PMID: 31587868); Variants in this gene are known to have variable expressivity (PMID: 31587868).

Literature cited by the submitters: PubMed 31587868.

NM_024528.4(NKAP):c.1029A>C (p.Glu343Asp)

Gene: NKAP (NFKB activating protein; minus strand). Cytogenetic location: Xq24.
Variant type: single nucleotide variant.
Coding change: c.1029A>C on transcript NM_024528.4 (MANE Select); coding-DNA position 1029, A replaced by C.
Protein change: p.Glu343Asp; replaces glutamic acid 343 with aspartic acid.
Molecular consequence: missense variant.
Genome position (GRCh38, 1-based): chrX:119,930,060, T>G on the plus strand (A>C on the coding strand, the complement: NKAP is on the minus strand). VCF-style: chrX-119930060-T-G. GRCh37 (hg19) VCF-style: chrX-119064023-T-G.
Other names: short protein forms E343D.
Identifiers: ClinVar variation 4532153 (VCV004532153.1).